The following is an entry in ClinVar:

ClinVar aggregate classification (germline): Uncertain significance (1 of 4 stars; one submission).

Submission:

Ambry Genetics
Classification: Uncertain significance. Last evaluated: 2024-06-05. Review status: criteria provided, single submitter. Criteria: Ambry Variant Classification Scheme 2023. Collection method: clinical testing. Allele origin: germline.
Comment: The p.D1196H variant (also known as c.3586G>C), located in coding exon 5 of the MLH3 gene, results from a G to C substitution at nucleotide position 3586. The aspartic acid at codon 1196 is replaced by histidine, an amino acid with similar properties. This amino acid position is conserved. In addition, this alteration is predicted to be deleterious by in silico analysis. Based on the available evidence, the clinical significance of this variant remains unclear.

NM_001040108.2(MLH3):c.3586G>C (p.Asp1196His)

Gene: MLH3 (mutL homolog 3; minus strand). Cytogenetic location: 14q24.3.
Variant type: single nucleotide variant.
Coding change: c.3586G>C on transcript NM_001040108.2 (MANE Select); coding-DNA position 3586, G replaced by C.
Protein change: p.Asp1196His; replaces aspartic acid 1196 with histidine.
Molecular consequence: missense variant.
Genome position (GRCh38, 1-based): chr14:75,038,397, C>G on the plus strand (G>C on the coding strand, the complement: MLH3 is on the minus strand). VCF-style: chr14-75038397-C-G. GRCh37 (hg19) VCF-style: chr14-75505100-C-G.
Other names: c.3586G>C, p.Asp1196His (NM_014381.3); short protein forms D1196H.
Identifiers: ClinVar variation 3295158 (VCV003295158.1).